The following is an entry in ClinVar:

ClinVar aggregate classification (germline): Likely benign. Review status: criteria provided, multiple submitters, no conflicts (2 of 4 stars). 3 submissions from 3 submitters: Likely benign (3). Last evaluated 2024-04-16.

Conditions:
Developmental and epileptic encephalopathy, 12 (DEE12). Identifiers: MedGen C3150988, MONDO:0013389, OMIM 613722.

Allele frequency attached by ClinVar (database versions not stated): gnomAD 0.00001; TOPMed 0.00002.
gnomAD v4.1: 6 of 1,548,202 alleles (0.00039%); highest among the groups gnomAD compares: Admixed American, 0.0039%; no homozygotes.

Submissions (3):

Blueprint Genetics
Classification: Likely benign. Last evaluated: 2024-04-16. Review status: criteria provided, single submitter. Criteria: ACMG Guidelines, 2015. Collection method: clinical testing. Allele origin: germline.

Labcorp Genetics (formerly Invitae), Labcorp
Classification: Likely benign for Developmental and epileptic encephalopathy, 12. Last evaluated: 2023-10-10. Review status: criteria provided, single submitter. Criteria: Invitae Variant Classification Sherloc (09022015). Collection method: clinical testing. Allele origin: germline.

GeneDx
Classification: Likely benign. Last evaluated: 2016-05-13. Review status: criteria provided, single submitter. Criteria: GeneDx Variant Classification (06012015). Collection method: clinical testing. Allele origin: germline. Affected: yes.
Comment: This variant is considered likely benign or benign based on one or more of the following criteria: it is a conservative change, it occurs at a poorly conserved position in the protein, it is predicted to be benign by multiple in silico algorithms, and/or has population frequency not consistent with disease.

NM_007254.4(PNKP):c.1299-5C>T

Gene: PNKP (polynucleotide kinase 3'-phosphatase; minus strand). Cytogenetic location: 19q13.33.
Variant type: single nucleotide variant.
Coding change: c.1299-5C>T on transcript NM_007254.4 (MANE Select); 5 bases into the intron before coding-DNA position 1299, C replaced by T.
Molecular consequence: intron variant.
Genome position (GRCh38, 1-based): chr19:49,861,700, G>A on the plus strand (C>T on the coding strand, the complement: PNKP is on the minus strand). VCF-style: chr19-49861700-G-A. GRCh37 (hg19) VCF-style: chr19-50364957-G-A.
Identifiers: ClinVar variation 386107 (VCV000386107.10), dbSNP rs1057522419, ClinGen allele CA16608307.